The following is an entry in ClinVar:

ClinVar aggregate classification (germline): Conflicting classifications of pathogenicity. Review status: criteria provided, conflicting classifications (1 of 4 stars). 2 submissions from 2 submitters: Uncertain significance (1); Likely benign (1). Last evaluated 2024-06-14.

Allele frequency attached by ClinVar (database versions not stated): gnomAD exomes below 0.00001; TOPMed below 0.00001; gnomAD 0.00001.
gnomAD v4.1: 6 of 1,613,878 alleles (0.00037%); highest among the groups gnomAD compares: African/African-American, 0.008%; no homozygotes.

Submissions (2):

Blueprint Genetics
Classification: Likely benign. Last evaluated: 2024-06-14. Review status: criteria provided, single submitter. Criteria: ACMG Guidelines, 2015. Collection method: clinical testing. Allele origin: germline.

GeneDx
Classification: Uncertain significance. Last evaluated: 2022-01-27. Review status: criteria provided, single submitter. Criteria: GeneDx Variant Classification Process June 2021. Collection method: clinical testing. Allele origin: germline. Affected: yes.
Comment: In silico analysis supports that this missense variant does not alter protein structure/function; Has not been previously published as pathogenic or benign to our knowledge

NM_030632.3(ASXL3):c.5149G>A (p.Glu1717Lys)

Gene: ASXL3 (ASXL transcriptional regulator 3; plus strand). Cytogenetic location: 18q12.1.
Variant type: single nucleotide variant.
Coding change: c.5149G>A on transcript NM_030632.3 (MANE Select); coding-DNA position 5149, G replaced by A.
Protein change: p.Glu1717Lys; replaces glutamic acid 1717 with lysine.
Molecular consequence: missense variant.
Genome position (GRCh38, 1-based): chr18:33,744,997, G>A. VCF-style: chr18-33744997-G-A. GRCh37 (hg19) VCF-style: chr18-31324961-G-A.
Other names: short protein forms E1717K.
Identifiers: ClinVar variation 1699682 (VCV001699682.3), dbSNP rs1269816177, ClinGen allele CA402193140.